The following is an entry in ClinVar:

NM_000057.4(BLM):c.3389T>C (p.Ile1130Thr)

Gene: BLM (BLM RecQ like helicase; plus strand). Cytogenetic location: 15q26.1.
Variant type: single nucleotide variant.
Coding change: c.3389T>C on transcript NM_000057.4 (MANE Select); coding-DNA position 3389, T replaced by C.
Protein change: p.Ile1130Thr; replaces isoleucine 1130 with threonine.
Molecular consequence: missense variant. On other transcripts: intron variant (1).
Genome position (GRCh38, 1-based): chr15:90,803,551, T>C. VCF-style: chr15-90803551-T-C. GRCh37 (hg19) VCF-style: chr15-91346781-T-C.
Other names: c.3389T>C, p.Ile1130Thr (NM_001287246.2); c.2264T>C, p.Ile755Thr (NM_001287248.2); c.3358+5214T>C (NM_001287247.2); short protein forms I1130T, I755T.
Identifiers: ClinVar variation 2780040 (VCV002780040.4), dbSNP rs2505546764, ClinGen allele CA393847492.

ClinVar aggregate classification (germline): Uncertain significance. Review status: criteria provided, multiple submitters, no conflicts (2 of 4 stars). 2 submissions from 2 submitters: Uncertain significance (2). Last evaluated 2024-02-16.

Conditions:
Bloom syndrome (BLM). Also called: Bloom-Torre-Machacek syndrome. Identifiers: Orphanet 125, MedGen C0005859, MONDO:0008876, OMIM 210900.
Hereditary cancer-predisposing syndrome. Also called: Neoplastic Syndromes, Hereditary; Tumor predisposition; Hereditary Cancer Syndrome; Hereditary neoplastic syndrome. Identifiers: Orphanet 140162, MedGen C0027672, MeSH D009386, MONDO:0015356.

Allele frequency attached by ClinVar (database versions not stated): gnomAD exomes below 0.00001.
gnomAD v4.1: 3 of 1,613,906 alleles (0.00019%); highest among the groups gnomAD compares: Non-Finnish European, 0.00025%; no homozygotes.

Submissions (2):

Ambry Genetics
Classification: Uncertain significance for Hereditary cancer-predisposing syndrome. Last evaluated: 2024-02-16. Review status: criteria provided, single submitter. Criteria: Ambry Variant Classification Scheme 2023. Collection method: clinical testing. Allele origin: germline.
Comment: The p.I1130T variant (also known as c.3389T>C), located in coding exon 17 of the BLM gene, results from a T to C substitution at nucleotide position 3389. The isoleucine at codon 1130 is replaced by threonine, an amino acid with similar properties. This amino acid position is conserved. In addition, this alteration is predicted to be tolerated by in silico analysis. Based on the available evidence, the clinical significance of this alteration remains unclear.

Labcorp Genetics (formerly Invitae), Labcorp
Classification: Uncertain significance for Bloom syndrome. Last evaluated: 2023-08-10. Review status: criteria provided, single submitter. Criteria: Invitae Variant Classification Sherloc (09022015). Collection method: clinical testing. Allele origin: germline.
Comment: This sequence change replaces isoleucine, which is neutral and non-polar, with threonine, which is neutral and polar, at codon 1130 of the BLM protein (p.Ile1130Thr). This variant is not present in population databases (gnomAD no frequency). This variant has not been reported in the literature in individuals affected with BLM-related conditions. Advanced modeling of protein sequence and biophysical properties (such as structural, functional, and spatial information, amino acid conservation, physicochemical variation, residue mobility, and thermodynamic stability) has been performed at Invitae for this missense variant, however the output from this modeling did not meet the statistical confidence thresholds required to predict the impact of this variant on BLM protein function. In summary, the available evidence is currently insufficient to determine the role of this variant in disease. Therefore, it has been classified as a Variant of Uncertain Significance.